The following is an entry in ClinVar:

ClinVar aggregate classification (germline): Pathogenic/Likely pathogenic. Review status: criteria provided, multiple submitters, no conflicts (2 of 4 stars). 9 submissions from 9 submitters: Pathogenic (3); Likely pathogenic (6). Last evaluated 2026-06-28.

Conditions:
Inborn genetic diseases. Identifiers: MedGen C0950123, MeSH D030342.
Cohen syndrome (COH1). Also called: PEPPER SYNDROME; Cutis verticis gyrata, retinitis pigmentosa, and sensorineural deafness. Identifiers: Orphanet 193, MedGen C0265223, MONDO:0008999, OMIM 216550.
VPS13B-related disorder. Also called: VPS13B-related condition.

Submissions (9):

PreventionGenetics, part of Exact Sciences
Classification: Likely pathogenic for VPS13B-related condition. Last evaluated: 2026-06-28. Review status: criteria provided, single submitter. Criteria: ACMG Guidelines, 2015. Collection method: clinical testing. Allele origin: germline.
Comment: The VPS13B c.11673_11674delTG variant is predicted to result in a frameshift and premature protein termination (p.Ala3892Thrfs*21). This variant has been reported in the presumed compound heterozygous state in an individual with Cohen syndrome (Table S4, reported as c.11746_11747del in transcript NM_017890, Zhao et al. 2015. PubMed ID: 25472526). This variant is present in 0.0028% of alleles in individuals of Latino descent in gnomAD. Frameshift variants in VPS13B are an established mechanism of disease. This variant is interpreted as likely pathogenic.

Natera, Inc.
Classification: Likely pathogenic for Cohen syndrome. Last evaluated: 2025-09-04. Review status: criteria provided, single submitter. Criteria: Natera Variant Classification Schema (03/2026). Collection method: clinical testing. Allele origin: germline.
Comment: The c.11748_11749delTG variant in VPS13B is a frameshift variant predicted to shift the reading frame beginning at codon 3917 and leads to a stop codon 21 codons downstream. This variant is expected to result in nonsense mediated decay, truncation, or a dysfunctional protein product. This variant is rare in the general population with a frequency below the threshold expected for the associated phenotype(s). This variant has been observed in one or more individuals affected with the associated recessive disease, as either homozygous or compound heterozygous with a second variant (PMID: 25472526). Given the available evidence, this variant is classified as Likely Pathogenic.

Labcorp Genetics (formerly Invitae), Labcorp
Classification: Pathogenic for Cohen syndrome. Last evaluated: 2025-08-03. Review status: criteria provided, single submitter. Criteria: Invitae Variant Classification Sherloc (09022015). Collection method: clinical testing. Allele origin: germline.
Comment: This sequence change creates a premature translational stop signal (p.Ala3917Thrfs*21) in the VPS13B gene. While this is not anticipated to result in nonsense mediated decay, it is expected to disrupt the last 106 amino acid(s) of the VPS13B protein. This variant is present in population databases (no rsID available, gnomAD 0.003%). This premature translational stop signal has been observed in individual(s) with retinitis pigmentosa (PMID: 25472526). ClinVar contains an entry for this variant (Variation ID: 958553). This variant disrupts a region of the VPS13B protein in which other variant(s) (p.Asn3954Lysfs*60) have been determined to be pathogenic (PMID: 20656880). This suggests that this is a clinically significant region of the protein, and that variants that disrupt it are likely to be disease-causing. For these reasons, this variant has been classified as Pathogenic.

Myriad Genetics, Inc.
Classification: Pathogenic for Cohen syndrome. Last evaluated: 2025-01-08. Review status: criteria provided, single submitter. Criteria: Myriad Autosomal Dominant, Autosomal Recessive and X-Linked Classification Criteria (2023). Collection method: clinical testing. Allele origin: unknown.
Comment: NM_017890.4(VPS13B):c.11748_11749delTG(A3917Tfs*21) is a frameshift variant classified as pathogenic in the context of Cohen syndrome. A3917Tfs*21 has been observed in a case with relevant disease (PMID: 25472526). Relevant functional assessments of this variant are not available in the literature. A3917Tfs*21 has been observed in referenced population frequency databases. In summary, NM_017890.4(VPS13B):c.11748_11749delTG(A3917Tfs*21) is a frameshift variant in a gene where loss of function is a known mechanism of disease, is predicted to disrupt protein function, and has been observed more frequently in cases with the relevant disease than in healthy populations. Please note: this variant was assessed in the context of healthy population screening.

Ambry Genetics
Classification: Pathogenic for Inborn genetic diseases. Last evaluated: 2024-12-10. Review status: criteria provided, single submitter. Criteria: Ambry Variant Classification Scheme 2023. Collection method: clinical testing. Allele origin: germline.
Comment: The c.11748_11749delTG (p.A3917Tfs*21) alteration, located in exon 61 (coding exon 60) of the VPS13B gene, consists of a deletion of 2 nucleotides from position 11748 to 11749, causing a translational frameshift with a predicted alternate stop codon after 21 amino acids. This variant is not expected to trigger nonsense-mediated mRNA decay, and impacts the last 3% of the protein. However, premature stop codons are typically deleterious in nature. Based on data from gnomAD, this allele has an overall frequency of 0.001% (3/282862) total alleles studied. The highest observed frequency was 0.003% (1/35440) of Latino alleles. This variant has been identified in the homozygous state and/or in conjunction with other VPS13B variant(s) in individual(s) with features consistent with Cohen syndrome (Zhao, 2015; External communication). Based on the available evidence, this alteration is classified as pathogenic.

Fulgent Genetics
Classification: Likely pathogenic for Cohen syndrome. Last evaluated: 2024-05-17. Review status: criteria provided, single submitter. Criteria: ACMG Guidelines, 2015. Collection method: clinical testing. Allele origin: germline.

Women's Health and Genetics/Laboratory Corporation of America, LabCorp
Classification: Likely pathogenic for Cohen syndrome. Last evaluated: 2023-03-15. Review status: criteria provided, single submitter. Criteria: LabCorp Variant Classification Summary - May 2015. Collection method: clinical testing. Allele origin: germline.
Comment: Variant summary: VPS13B c.11748_11749delTG (p.Ala3917ThrfsX21) results in a premature termination codon, predicted to cause a truncation of the encoded protein or absence of the protein due to nonsense mediated decay, which are commonly known mechanisms for disease. Truncations downstream of this position have been classified as pathogenic by our laboratory. The variant allele was found at a frequency of 8e-06 in 251454 control chromosomes. c.11748_11749delTG has been reported in the literature in an individual affected with Cohen Syndrome (Zhao_2015), and they were reported as compound heterozygous with another pathogenic variant. These data suggest the variant is likely to be associated with disease. To our knowledge, no experimental evidence demonstrating an impact on protein function has been reported. Four submitters have provided clinical-significance assessments for this variant to ClinVar after 2014, and classified it as pathogenic/likely pathogenic (n=3) or uncertain significance (n=1). Based on the evidence outlined above, the variant was classified as likely pathogenic.

GeneDx
Classification: Likely pathogenic. Last evaluated: 2021-11-29. Review status: criteria provided, single submitter. Criteria: GeneDx Variant Classification Process June 2021. Collection method: clinical testing. Allele origin: germline. Affected: yes.
Comment: Frameshift variant predicted to result in protein truncation, as the last 106 amino acids are replaced with 20 different amino acids, and other loss-of-function variants have been reported downstream in the Human Gene Mutation Database (Stenson et al., 2014); Not observed at significant frequency in large population cohorts (Lek et al., 2016); This variant is associated with the following publications: (PMID: 25472526)

Blueprint Genetics
Classification: Likely pathogenic for VPS13B-related disorders. Last evaluated: 2021-11-11. Review status: criteria provided, single submitter. Criteria: ACMG Guidelines, 2015. Collection method: clinical testing. Allele origin: germline. Affected: yes. Observed: 2 variant alleles.

Literature cited by the submitters: PubMed 25472526 (cited by 5 submitters); PubMed 20656880 (cited by Labcorp Genetics (formerly Invitae), Labcorp).

NM_152564.5(VPS13B):c.11673_11674del (p.Ala3892fs)

Gene: VPS13B (vacuolar protein sorting 13 homolog B; plus strand). Cytogenetic location: 8q22.2.
Variant type: Microsatellite.
Coding change: c.11673_11674del on transcript NM_152564.5 (MANE Select); coding-DNA positions 11673 to 11674, 2 bases deleted (TG; older notation c.11673_11674delTG).
Protein change: p.Ala3892fs; shifts the reading frame from alanine 3892.
Molecular consequence: frameshift variant.
Genome position (GRCh38, 1-based): chr8:99,871,625-99,871,626, TG deleted; deleting any 2 consecutive bases within chr8:99,871,623-99,871,626 gives the same sequence; the c. name uses the placement nearest the transcript's 3' end. VCF-style (leftmost placement, unchanged base first): chr8-99871622-CTG-C. GRCh37 (hg19) VCF-style: chr8-100883850-CTG-C.
Other names: c.11673_11674delTG (NM_152564.4); c.11748_11749delTG (NM_017890.3, NM_017890.4); c.11748_11749del, p.Ala3917fs (NM_017890.5); short protein forms A3917fs, A3892fs.
Identifiers: ClinVar variation 958553 (VCV000958553.23), dbSNP rs1180933570, ClinGen allele CA583856666.
Genomic context (GRCh38, chr8:99,871,622, plus strand): 5'-CTTCGTGGTGAGTGTCAGTGAGGACACACAGCAGCAGGCCTTCCCCGTCACAGAAATCGA[CTG>C]TGCACAGGACAGCAAGCAGAACAACTTACTCACAGTGCAGCTCAAGCAGCCAAGAGTGGC-3'